The following is an entry in ClinVar:

ClinVar aggregate classification (germline): Uncertain significance. Review status: criteria provided, multiple submitters, no conflicts (2 of 4 stars). 2 submissions from 2 submitters: Uncertain significance (2). Last evaluated 2025-03-27.

Conditions:
Inborn genetic diseases. Identifiers: MedGen C0950123, MeSH D030342.

Allele frequency attached by ClinVar (database versions not stated): gnomAD exomes 0.00002; ExAC 0.00003; gnomAD 0.00003; TOPMed 0.00004.

Submissions (2):

Ambry Genetics
Classification: Uncertain significance for Inborn genetic diseases. Last evaluated: 2025-03-27. Review status: criteria provided, single submitter. Criteria: Ambry Variant Classification Scheme 2023. Collection method: clinical testing. Allele origin: germline.

GeneDx
Classification: Uncertain significance. Last evaluated: 2024-12-13. Review status: criteria provided, single submitter. Criteria: GeneDx Variant Classification Process June 2021. Collection method: clinical testing. Allele origin: germline. Affected: yes.
Comment: In silico analysis indicates that this missense variant does not alter protein structure/function; Has not been previously published as pathogenic or benign to our knowledge

NM_001080477.4(TENM3):c.262G>A (p.Val88Ile)

Gene: TENM3 (teneurin transmembrane protein 3; plus strand). Cytogenetic location: 4q35.1.
Variant type: single nucleotide variant.
Coding change: c.262G>A on transcript NM_001080477.4 (MANE Select); coding-DNA position 262, G replaced by A.
Protein change: p.Val88Ile; replaces valine 88 with isoleucine.
Molecular consequence: missense variant. On other transcripts: intron variant (4).
Genome position (GRCh38, 1-based): chr4:182,346,680, G>A. VCF-style: chr4-182346680-G-A. GRCh37 (hg19) VCF-style: chr4-183267833-G-A.
Other names: c.232+22428G>A (NM_001415977.1, NM_001415966.1, NM_001415976.1 and 1 more transcripts); c.262G>A (NM_001080477.3); c.262G>A, p.Val88Ile (NM_001415968.1, NM_001415969.1, NM_001415970.1 and 4 more transcripts); short protein forms V88I.
Identifiers: ClinVar variation 2459041 (VCV002459041.4), dbSNP rs745497530, ClinGen allele CA3147365.
Genomic context (GRCh38, chr4:182,346,680, plus strand): 5'-CTAGTTGTTATCTTTTTTTCCCCCTAATTAGGACAGAATTTTACCCTAAGGCAGTTAGGA[G>A]TTTGTGAACCAGCAACTCGAAGAGGACTGGCATTTTGTGCGGAAATGGGGCTCCCTCACA-3'
Protein context (NP_001073946.1, residues 78-98): GQNFTLRQLG[Val88Ile]CEPATRRGLA